The following is an entry in ClinVar:

NM_017986.4(SLC52A1):c.548C>G (p.Pro183Arg)

Gene: SLC52A1 (solute carrier family 52 member 1; minus strand). Cytogenetic location: 17p13.2.
Variant type: single nucleotide variant.
Coding change: c.548C>G on transcript NM_017986.4 (MANE Select); coding-DNA position 548, C replaced by G.
Protein change: p.Pro183Arg; replaces proline 183 with arginine.
Molecular consequence: missense variant.
Genome position (GRCh38, 1-based): chr17:5,033,941, G>C on the plus strand (C>G on the coding strand, the complement: SLC52A1 is on the minus strand). VCF-style: chr17-5033941-G-C. GRCh37 (hg19) VCF-style: chr17-4937236-G-C.
Other names: c.548C>G, p.Pro183Arg (NM_001104577.2); short protein forms P183R.
Identifiers: ClinVar variation 2974396 (VCV002974396.3), dbSNP rs767915936, ClinGen allele CA8319765.
Genomic context (GRCh38, chr17:5,033,941, plus strand): 5'-AGGGCAGTCAGTGCCCAGAAGAAGGTGCTGGCAGGAAAACGCTCAGGGAAGTCGAGGGGA[G>C]GCCCAGAGGTGCCATTGGTGGGCGCTGGTGGGCACTCGAGGCGGCCCACACCTTGCACTA-3'
Protein context (NP_060456.3, residues 173-193): PPAPTNGTSG[Pro183Arg]PLDFPERFPA

ClinVar aggregate classification (germline): Uncertain significance (1 of 4 stars; one submission).

Conditions:
Vitamin B2 deficiency. Identifiers: MedGen C0035528.

Allele frequency attached by ClinVar (database versions not stated): ExAC 0.00001.

Submission:

Labcorp Genetics (formerly Invitae), Labcorp
Classification: Uncertain significance for Vitamin B2 deficiency. Last evaluated: 2023-08-03. Review status: criteria provided, single submitter. Criteria: Invitae Variant Classification Sherloc (09022015). Collection method: clinical testing. Allele origin: germline.
Comment: In summary, the available evidence is currently insufficient to determine the role of this variant in disease. Therefore, it has been classified as a Variant of Uncertain Significance. Advanced modeling of protein sequence and biophysical properties (such as structural, functional, and spatial information, amino acid conservation, physicochemical variation, residue mobility, and thermodynamic stability) performed at Invitae indicates that this missense variant is not expected to disrupt SLC52A1 protein function. This variant has not been reported in the literature in individuals affected with SLC52A1-related conditions. This variant is present in population databases (rs767915936, gnomAD 0.007%). This sequence change replaces proline, which is neutral and non-polar, with arginine, which is basic and polar, at codon 183 of the SLC52A1 protein (p.Pro183Arg).